The following is an entry in ClinVar:

ClinVar aggregate classification (germline): Uncertain significance (1 of 4 stars; one submission).

Conditions:
Pitt-Hopkins syndrome (PTHS). Also called: ENCEPHALOPATHY, SEVERE EPILEPTIC, WITH AUTONOMIC DYSFUNCTION; MENTAL RETARDATION, SYNDROMAL, WITH INTERMITTENT HYPERVENTILATION. Identifiers: Orphanet 2896, MedGen C1970431, MONDO:0012589, OMIM 610954.

Submission:

Labcorp Genetics (formerly Invitae), Labcorp
Classification: Uncertain significance for Pitt-Hopkins syndrome. Last evaluated: 2023-05-23. Review status: criteria provided, single submitter. Criteria: Invitae Variant Classification Sherloc (09022015). Collection method: clinical testing. Allele origin: germline.
Comment: In summary, the available evidence is currently insufficient to determine the role of this variant in disease. Therefore, it has been classified as a Variant of Uncertain Significance. Advanced modeling of protein sequence and biophysical properties (such as structural, functional, and spatial information, amino acid conservation, physicochemical variation, residue mobility, and thermodynamic stability) has been performed at Invitae for this missense variant, however the output from this modeling did not meet the statistical confidence thresholds required to predict the impact of this variant on TCF4 protein function. This variant has not been reported in the literature in individuals affected with TCF4-related conditions. This variant is not present in population databases (gnomAD no frequency). This sequence change replaces histidine, which is basic and polar, with tyrosine, which is neutral and polar, at codon 454 of the TCF4 protein (p.His454Tyr).

NM_001083962.2(TCF4):c.1360C>T (p.His454Tyr)

Genes: TCF4 (transcription factor 4; minus strand), LOC121627832 (Sharpr-MPRA regulatory region 5538; plus strand). Cytogenetic location: 18q21.2.
Variant type: single nucleotide variant.
Coding change: c.1360C>T on transcript NM_001083962.2 (MANE Select); coding-DNA position 1360, C replaced by T.
Protein change: p.His454Tyr; replaces histidine 454 with tyrosine.
Molecular consequence: missense variant.
Genome position (GRCh38, 1-based): chr18:55,234,674, G>A on the plus strand (C>T on the coding strand, the complement: TCF4 is on the minus strand). VCF-style: chr18-55234674-G-A. GRCh37 (hg19) VCF-style: chr18-52901905-G-A.
Other names: c.1288C>T, p.His430Tyr (NM_001369582.1, NM_001369583.1, NM_001369575.1 and 5 more transcripts); c.1285C>T, p.His429Tyr (NM_001369584.1, NM_001369585.1, NM_001369576.1 and 6 more transcripts); c.1291C>T, p.His431Tyr (NM_001369586.1); c.1360C>T, p.His454Tyr (NM_003199.3, NM_001369567.1, NM_001369568.1 and 2 more transcripts); c.1666C>T, p.His556Tyr (NM_001243226.3); c.1147C>T, p.His383Tyr (NM_001306208.1, NM_001243232.1); c.1357C>T, p.His453Tyr (NM_001330604.3, NM_001369573.1, NM_001369574.1 and 2 more transcripts); c.970C>T, p.His324Tyr (NM_001330605.3, NM_001348212.2, NM_001348213.2 and 1 more transcripts); and 6 more; short protein forms H293Y, H324Y, H294Y, H383Y, H412Y, H460Y, H556Y, H238Y.
Identifiers: ClinVar variation 2867284 (VCV002867284.3), dbSNP rs2511637142, ClinGen allele CA402532123.
Genomic context (GRCh38, chr18:55,234,674, plus strand): 5'-CCGGAACCTGGTTTGGCAGAAGAGAATGGCTGCCTCTCAGGGCCACGCCATCTTCACGAT[G>A]GGTCCCCACCTGAAAGGGCGAGAGGAACCAGAGAGGTGAGCAGGAACCGGAGGTGCGACA-3'
Protein context (NP_001077431.1, residues 444-464): ANRHSLMVGT[His454Tyr]REDGVALRGS